The following is an entry in ClinVar:

NM_031935.3(HMCN1):c.11206G>A (p.Ala3736Thr)

Gene: HMCN1 (hemicentin 1; plus strand). Cytogenetic location: 1q31.1.
Variant type: single nucleotide variant.
Coding change: c.11206G>A on transcript NM_031935.3 (MANE Select); coding-DNA position 11206, G replaced by A.
Protein change: p.Ala3736Thr; replaces alanine 3736 with threonine.
Molecular consequence: missense variant.
Genome position (GRCh38, 1-based): chr1:186,114,053, G>A. VCF-style: chr1-186114053-G-A. GRCh37 (hg19) VCF-style: chr1-186083185-G-A.
Other names: short protein forms A3736T.
Identifiers: ClinVar variation 719866 (VCV000719866.33), dbSNP rs138190200, ClinGen allele CA1293965.

ClinVar aggregate classification (germline): Benign/Likely benign. Review status: criteria provided, multiple submitters, no conflicts (2 of 4 stars). 4 submissions from 4 submitters: Benign (1); Likely benign (3). Last evaluated 2026-05-27.

Conditions:
HMCN1-related disorder. Also called: HMCN1-related condition.

Allele frequency attached by ClinVar (database versions not stated): gnomAD exomes 0.00032 and 0.00013; ExAC 0.00035; gnomAD 0.00074 and 0.00081; ESP Exome Variant Server 0.00085; TOPMed 0.00088; 1000 Genomes Project 0.00100; 1000 Genomes Project 30x 0.00141.
gnomAD v4.1: 310 of 1,614,054 alleles (0.019%); highest among the groups gnomAD compares: African/African-American, 0.21%; no homozygotes.

Submissions (4):

PreventionGenetics, part of Exact Sciences
Classification: Likely benign for HMCN1-related condition. Last evaluated: 2026-05-27. Review status: criteria provided, single submitter. Criteria: ACMG Guidelines, 2015. Collection method: clinical testing. Allele origin: germline.
Comment: This variant is classified as likely benign based on ACMG/AMP sequence variant interpretation guidelines (Richards et al. 2015 PMID: 25741868, with internal and published modifications).

Labcorp Genetics (formerly Invitae), Labcorp
Classification: Likely benign. Last evaluated: 2026-01-21. Review status: criteria provided, single submitter. Criteria: Invitae Variant Classification Sherloc (09022015). Collection method: clinical testing. Allele origin: germline.

CeGaT Center for Human Genetics Tuebingen
Classification: Benign. Last evaluated: 2025-04-01. Review status: criteria provided, single submitter. Criteria: CeGaT Center For Human Genetics Tuebingen Variant Classification Criteria Version 2. Collection method: clinical testing. Allele origin: germline. Affected: yes. Observed: 2 variant alleles.
Comment: HMCN1: BP4, BS1, BS2

Breakthrough Genomics
Classification: Likely benign. Review status: criteria provided, single submitter. Criteria: ACMG Guidelines, 2015. Collection method: not provided. Allele origin: germline. Inheritance: Autosomal dominant inheritance. Affected: yes.